The following is an entry in ClinVar:

NM_001369369.1(FOXN1):c.1021C>T (p.Arg341Cys)

Gene: FOXN1 (forkhead box N1; plus strand). Cytogenetic location: 17q11.2.
Variant type: single nucleotide variant.
Coding change: c.1021C>T on transcript NM_001369369.1 (MANE Select); coding-DNA position 1021, C replaced by T.
Protein change: p.Arg341Cys; replaces arginine 341 with cysteine.
Molecular consequence: missense variant.
Genome position (GRCh38, 1-based): chr17:28,534,424, C>T. VCF-style: chr17-28534424-C-T. GRCh37 (hg19) VCF-style: chr17-26861442-C-T.
Other names: NM_001369369.1(FOXN1):c.1021C>T; p.Arg341Cys; c.1021C>T, p.Arg341Cys (NM_003593.3); short protein forms R341C.
Identifiers: ClinVar variation 439742 (VCV000439742.11), dbSNP rs141965955, ClinGen allele CA8459420.

ClinVar aggregate classification (germline): Uncertain significance. Review status: reviewed by expert panel (3 of 4 stars). 2 submissions from 2 submitters: Uncertain significance (1). 1 of the submissions does not count toward it. Last evaluated 2024-10-25.

Conditions:
T-cell immunodeficiency, congenital alopecia, and nail dystrophy. Also called: Congenital alopecia and nail dystrophy associated with severe functional T-cell immunodeficiency; Pignata Guarino syndrome. Identifiers: Orphanet 169095, MedGen C1866426, MONDO:0011132, OMIM 601705.

Allele frequency attached by ClinVar (database versions not stated): gnomAD exomes below 0.00001; ExAC 0.00001; TOPMed 0.00001; ESP Exome Variant Server 0.00008.
gnomAD v4.1: 30 of 1,614,130 alleles (0.0019%); highest among the groups gnomAD compares: Non-Finnish European, 0.0022%; no homozygotes.

Submissions (2):

ClinGen Severe Combined Immunodeficiency Variant Curation Expert Panel, ClinGen
Classification: Uncertain significance for T-cell immunodeficiency, congenital alopecia, and nail dystrophy. Last evaluated: 2024-10-25. Review status: reviewed by expert panel. Criteria: ClinGen SCID ACMG Specifications FOXN1 V2.3. Collection method: curation. Allele origin: germline. Inheritance: Semidominant inheritance.
Comment: The variant NM_001369369.1(FOXN1):c.1021C>T is predicted to cause a arginine to cysteine substitution at amino acid position 341. The variant has a Grpmax allele frequency of 0.00001533 based upon the European (Non-Finnish) population, which is less than 0.0000447 (PM2_supporting). The meta predictor Revel predicts a potential disrupting effect on protein function with a score of 0.741, which is greater than 0.644 and thus meets PP3 criteria. In summary this variant meets criteria to be classified as Variant of Uncertain significance- insufficient evidence for semidominant cell immunodeficiency, congenital alopecia, and nail dystrophy due to FOXN1 deficiency based on the ACMG/AMP criteria applied: PP3 and PM2_supporting as specified by the ClinGen SCID VCEP FOXN1 subgroup.

ARUP Laboratories, Molecular Genetics and Genomics, ARUP Laboratories
Classification: Uncertain significance. Last evaluated: 2017-03-13. Review status: criteria provided, single submitter. Criteria: ARUP Molecular Germline Variant Investigation Process. Collection method: clinical testing. Allele origin: germline. Not counted in ClinVar's aggregate classification.